The following is an entry in ClinVar:

NM_015629.4(PRPF31):c.505G>A (p.Val169Ile)

Gene: PRPF31 (pre-mRNA processing factor 31; plus strand). Cytogenetic location: 19q13.42.
Variant type: single nucleotide variant.
Coding change: c.505G>A on transcript NM_015629.4 (MANE Select); coding-DNA position 505, G replaced by A.
Protein change: p.Val169Ile; replaces valine 169 with isoleucine.
Molecular consequence: missense variant.
Genome position (GRCh38, 1-based): chr19:54,123,538, G>A. VCF-style: chr19-54123538-G-A. GRCh37 (hg19) VCF-style: chr19-54626917-G-A.
Other names: short protein forms V169I.
Identifiers: ClinVar variation 1375459 (VCV001375459.9), dbSNP rs150280707, ClinGen allele CA309324715.

ClinVar aggregate classification (germline): Uncertain significance. Review status: criteria provided, multiple submitters, no conflicts (2 of 4 stars). 2 submissions from 2 submitters: Uncertain significance (2). Last evaluated 2025-11-19.

Allele frequency attached by ClinVar (database versions not stated): TOPMed below 0.00001; ExAC 0.00001; gnomAD 0.00001; gnomAD exomes 0.00001; ESP Exome Variant Server 0.00008.
gnomAD v4.1: 15 of 1,614,072 alleles (0.00093%); highest among the groups gnomAD compares: South Asian, 0.0022%; no homozygotes.

Submissions (2):

Labcorp Genetics (formerly Invitae), Labcorp
Classification: Uncertain significance. Last evaluated: 2025-11-19. Review status: criteria provided, single submitter. Criteria: Invitae Variant Classification Sherloc (09022015). Collection method: clinical testing. Allele origin: germline.
Comment: This sequence change replaces valine, which is neutral and non-polar, with isoleucine, which is neutral and non-polar, at codon 169 of the PRPF31 protein (p.Val169Ile). This variant is present in population databases (rs150280707, gnomAD 0.003%). This variant has not been reported in the literature in individuals affected with PRPF31-related conditions. ClinVar contains an entry for this variant (Variation ID: 1375459). An algorithm developed to predict the effect of missense changes on protein structure and function (PolyPhen-2) suggests that this variant is likely to be disruptive. In summary, the available evidence is currently insufficient to determine the role of this variant in disease. Therefore, it has been classified as a Variant of Uncertain Significance.

Blueprint Genetics
Classification: Uncertain significance. Last evaluated: 2019-02-07. Review status: criteria provided, single submitter. Criteria: ACMG Guidelines, 2015. Collection method: clinical testing. Allele origin: germline.